The following is an entry in ClinVar:

ClinVar aggregate classification (germline): Uncertain significance. Review status: criteria provided, multiple submitters, no conflicts (2 of 4 stars). 2 submissions from 2 submitters: Uncertain significance (2). Last evaluated 2025-01-09.

Conditions:
Cortical dysplasia-focal epilepsy syndrome (PTHSL1). Also called: Pitt-Hopkins-like syndrome 1. Identifiers: Orphanet 163681, Orphanet 221150, MedGen C2750246, MONDO:0012400, OMIM 610042.

Allele frequency attached by ClinVar (database versions not stated): TOPMed 0.00001.

Submissions (2):

GeneDx
Classification: Uncertain significance. Last evaluated: 2025-01-09. Review status: criteria provided, single submitter. Criteria: GeneDx Variant Classification Process June 2021. Collection method: clinical testing. Allele origin: germline. Affected: yes.
Comment: Not observed at significant frequency in large population cohorts (gnomAD); In silico analysis supports that this missense variant has a deleterious effect on protein structure/function; Has not been previously published as pathogenic or benign to our knowledge

Labcorp Genetics (formerly Invitae), Labcorp
Classification: Uncertain significance for Cortical dysplasia-focal epilepsy syndrome. Last evaluated: 2024-07-12. Review status: criteria provided, single submitter. Criteria: Invitae Variant Classification Sherloc (09022015). Collection method: clinical testing. Allele origin: germline.
Comment: This sequence change replaces glycine, which is neutral and non-polar, with arginine, which is basic and polar, at codon 456 of the CNTNAP2 protein (p.Gly456Arg). This variant is not present in population databases (gnomAD no frequency). This variant has not been reported in the literature in individuals affected with CNTNAP2-related conditions. ClinVar contains an entry for this variant (Variation ID: 1506455). An algorithm developed to predict the effect of missense changes on protein structure and function (PolyPhen-2) suggests that this variant is likely to be disruptive. In summary, the available evidence is currently insufficient to determine the role of this variant in disease. Therefore, it has been classified as a Variant of Uncertain Significance.

NM_014141.6(CNTNAP2):c.1366G>A (p.Gly456Arg)

Gene: CNTNAP2 (contactin associated protein 2; plus strand). Cytogenetic location: 7q35.
Variant type: single nucleotide variant.
Coding change: c.1366G>A on transcript NM_014141.6 (MANE Select); coding-DNA position 1366, G replaced by A.
Protein change: p.Gly456Arg; replaces glycine 456 with arginine.
Molecular consequence: missense variant.
Genome position (GRCh38, 1-based): chr7:147,300,158, G>A. VCF-style: chr7-147300158-G-A. GRCh37 (hg19) VCF-style: chr7-146997250-G-A.
Other names: c.1366G>A (NM_014141.5); short protein forms G456R.
Identifiers: ClinVar variation 1506455 (VCV001506455.6), dbSNP rs1794916733, ClinGen allele CA369925070.